The following is an entry in ClinVar:

NM_001082538.3(TCTN1):c.713-228C>T

Gene: TCTN1 (tectonic family member 1; plus strand). Cytogenetic location: 12q24.11.
Variant type: single nucleotide variant.
Coding change: c.713-228C>T on transcript NM_001082538.3 (MANE Select); 228 bases into the intron before coding-DNA position 713, C replaced by T.
Molecular consequence: intron variant. On other transcripts: synonymous variant (1).
Genome position (GRCh38, 1-based): chr12:110,634,442, C>T. VCF-style: chr12-110634442-C-T. GRCh37 (hg19) VCF-style: chr12-111072247-C-T.
Other names: c.759C>T, p.Ala253= (NM_024549.6); c.545-228C>T (NM_001173975.3); c.533-228C>T (NM_001173976.2); c.179-228C>T (NM_001319681.2); c.713-228C>T (NM_001082537.3, NM_001319680.2).
Identifiers: ClinVar variation 4820861 (VCV004820861.4).
Genomic context (GRCh38, chr12:110,634,442, plus strand): 5'-TTAAAACATTGTAGGCCAGGCGTACTGGTTCACACCTGTAATCCCAGCACTCTGGGAGGC[C>T]GAGGCGAGAGGATCACTTGAGGTGAGGAGTTTGAGACCAGTCTGGGCAACACGGTGAAAC-3'

ClinVar aggregate classification (germline): Likely benign (1 of 4 stars; one submission).

gnomAD v4.1: 28 of 570,962 alleles (0.0049%); highest among the groups gnomAD compares: East Asian, 0.04%; no homozygotes.

Submission:

CeGaT Center for Human Genetics Tuebingen
Classification: Likely benign. Last evaluated: 2025-12-01. Review status: criteria provided, single submitter. Criteria: CeGaT Center For Human Genetics Tuebingen Variant Classification Criteria Version 2. Collection method: clinical testing. Allele origin: germline. Affected: yes. Observed: 1 variant allele.
Comment: TCTN1: BP4, BP7